The following is an entry in ClinVar:

NM_000532.5(PCCB):c.86G>T (p.Cys29Phe)

Gene: PCCB (propionyl-CoA carboxylase subunit beta; plus strand). Cytogenetic location: 3q22.3.
Variant type: single nucleotide variant.
Coding change: c.86G>T on transcript NM_000532.5 (MANE Select); coding-DNA position 86, G replaced by T.
Protein change: p.Cys29Phe; replaces cysteine 29 with phenylalanine.
Molecular consequence: missense variant.
Genome position (GRCh38, 1-based): chr3:136,250,461, G>T. VCF-style: chr3-136250461-G-T. GRCh37 (hg19) VCF-style: chr3-135969303-G-T.
Other names: c.86G>T, p.Cys29Phe (NM_001178014.2); short protein forms C29F.
Identifiers: ClinVar variation 1394027 (VCV001394027.3), dbSNP rs765843410, ClinGen allele CA2631571.

ClinVar aggregate classification (germline): Uncertain significance (1 of 4 stars; one submission).

Conditions:
Propionic acidemia (PROP). Also called: GLYCINEMIA, KETOTIC; HYPERGLYCINEMIA WITH KETOACIDOSIS AND LEUKOPENIA; KETOTIC HYPERGLYCINEMIA. Identifiers: Orphanet 35, MedGen C0268579, MONDO:0011628, OMIM 606054, HP:0003571.

Allele frequency attached by ClinVar (database versions not stated): gnomAD exomes below 0.00001; ExAC 0.00001; gnomAD 0.00001; TOPMed 0.00002.
gnomAD v4.1: 2 of 1,609,666 alleles (0.00012%); highest among the groups gnomAD compares: African/African-American, 0.0027%; no homozygotes.

Submission:

Labcorp Genetics (formerly Invitae), Labcorp
Classification: Uncertain significance for Propionic acidemia. Last evaluated: 2022-08-16. Review status: criteria provided, single submitter. Criteria: Invitae Variant Classification Sherloc (09022015). Collection method: clinical testing. Allele origin: germline.
Comment: This sequence change replaces cysteine, which is neutral and slightly polar, with phenylalanine, which is neutral and non-polar, at codon 29 of the PCCB protein (p.Cys29Phe). The frequency data for this variant in the population databases is considered unreliable, as metrics indicate poor data quality at this position in the gnomAD database. This variant has not been reported in the literature in individuals affected with PCCB-related conditions. ClinVar contains an entry for this variant (Variation ID: 1394027). Advanced modeling of protein sequence and biophysical properties (such as structural, functional, and spatial information, amino acid conservation, physicochemical variation, residue mobility, and thermodynamic stability) performed at Invitae indicates that this missense variant is not expected to disrupt PCCB protein function. In summary, the available evidence is currently insufficient to determine the role of this variant in disease. Therefore, it has been classified as a Variant of Uncertain Significance.